The following is an entry in ClinVar:

ClinVar aggregate classification (germline): Pathogenic (1 of 4 stars; one submission).

Submission:

Labcorp Genetics (formerly Invitae), Labcorp
Classification: Pathogenic. Last evaluated: 2026-01-10. Review status: criteria provided, single submitter. Criteria: Invitae Variant Classification Sherloc (09022015). Collection method: clinical testing. Allele origin: germline.
Comment: This sequence change creates a premature translational stop signal (p.Val1029Serfs*31) in the ALPK3 gene. It is expected to result in an absent or disrupted protein product. Loss-of-function variants in ALPK3 are known to be pathogenic (PMID: 21441111, 26846950, 27106955, 34263907). This variant is not present in population databases (gnomAD no frequency). This variant has not been reported in the literature in individuals affected with ALPK3-related conditions. For these reasons, this variant has been classified as Pathogenic.

Literature cited by the submitters: PubMed 21441111; PubMed 26846950; PubMed 27106955; PubMed 34263907.

NM_020778.5(ALPK3):c.2478del (p.Val827fs)

Gene: ALPK3 (alpha kinase 3; plus strand). Cytogenetic location: 15q25.3.
Variant type: Deletion.
Coding change: c.2478del on transcript NM_020778.5 (MANE Select); coding-DNA position 2478, one base deleted (A; older notation c.2478delA).
Protein change: p.Val827fs; shifts the reading frame from valine 827.
Molecular consequence: frameshift variant.
Genome position (GRCh38, 1-based): chr15:84,857,216, A deleted. VCF-style (leftmost placement, unchanged base first): chr15-84857215-CA-C. GRCh37 (hg19) VCF-style: chr15-85400446-CA-C.
Other names: short protein forms V827fs.
Identifiers: ClinVar variation 4735036 (VCV004735036.1).